The following is an entry in ClinVar:

ClinVar aggregate classification (germline): Benign. Review status: criteria provided, multiple submitters, no conflicts (2 of 4 stars). 4 submissions from 4 submitters: Benign (4). Last evaluated 2024-07-15.

Conditions:
Finnish congenital nephrotic syndrome (NPHS1). Also called: NEPHROTIC SYNDROME, TYPE 1. Identifiers: Orphanet 839, MedGen C0403399, MONDO:0009732, OMIM 256300.

Allele frequency attached by ClinVar (database versions not stated): ESP Exome Variant Server 0.28879; TOPMed 0.30663; gnomAD 0.31213 and 0.32137; 1000 Genomes Project 30x 0.35462; 1000 Genomes Project 0.36681; gnomAD exomes 0.38610 and 0.39954; ExAC 0.39195.
gnomAD v4.1: 609,941 of 1,606,026 alleles (38%); highest among the groups gnomAD compares: East Asian, 66%; 122,017 homozygotes.

Submissions (4):

Unidad de Genómica Garrahan, Hospital de Pediatría Garrahan
Classification: Benign. Last evaluated: 2024-07-15. Review status: criteria provided, single submitter. Criteria: ACMG Guidelines, 2015. Collection method: clinical testing. Allele origin: germline. Affected: no. Observed: 61 variant alleles.
Comment: This variant is classified as Benign based on local population frequency. This variant was detected in 66% of patients studied in a panel designed for Epileptic and Developmental Encephalopathy and Progressive Myoclonus Epilepsy. Number of patients: 61. Only high quality variants are reported.

Genome-Nilou Lab
Classification: Benign for Finnish congenital nephrotic syndrome. Last evaluated: 2021-06-10. Review status: criteria provided, single submitter. Criteria: ACMG Guidelines, 2015. Collection method: clinical testing. Allele origin: germline. Affected: no.

GeneDx
Classification: Benign. Last evaluated: 2019-10-25. Review status: criteria provided, single submitter. Criteria: GeneDx Variant Classification Process June 2021. Collection method: clinical testing. Allele origin: germline. Affected: yes.

Breakthrough Genomics
Classification: Benign. Review status: criteria provided, single submitter. Criteria: ACMG Guidelines, 2015. Collection method: not provided. Allele origin: germline. Inheritance: Autosomal recessive inheritance. Affected: yes.

NM_004646.4(NPHS1):c.3481+45C>T

Gene: NPHS1 (NPHS1 adhesion molecule, nephrin; minus strand). Cytogenetic location: 19q13.12.
Variant type: single nucleotide variant.
Coding change: c.3481+45C>T on transcript NM_004646.4 (MANE Select); 45 bases into the intron after coding-DNA position 3481, C replaced by T.
Molecular consequence: intron variant.
Genome position (GRCh38, 1-based): chr19:35,831,008, G>A on the plus strand (C>T on the coding strand, the complement: NPHS1 is on the minus strand). VCF-style: chr19-35831008-G-A. GRCh37 (hg19) VCF-style: chr19-36321910-G-A.
Identifiers: ClinVar variation 1172960 (VCV001172960.6), dbSNP rs731934, ClinGen allele CA9389741.
Genomic context (GRCh38, chr19:35,831,008, plus strand): 5'-CTGTGAAACCTGGAGTTGGAGTGGAAGGGAGACACGATCAAGGCACCCAGTCCAGGCGTC[G>A]GGGGTACCTCTGAGTGAGGGAATCCTGACATGGTCCTAACTCACCTCGGGAATAAGACAC-3'